The following is an entry in ClinVar:

ClinVar aggregate classification (germline): Pathogenic. Review status: criteria provided, multiple submitters, no conflicts (2 of 4 stars). 6 submissions from 6 submitters: Pathogenic (6). Last evaluated 2025-11-08.

Conditions:
Interstitial lung disease due to ABCA3 deficiency. Also called: PULMONARY ALVEOLAR PROTEINOSIS, CONGENITAL, 3. Identifiers: Orphanet 440402, MedGen C1970456, MONDO:0012582, OMIM 610921.
ABCA3-related disorder. Also called: ABCA3-related condition.
Hereditary pulmonary alveolar proteinosis. Also called: Pulmonary surfactant metabolism dysfunction. Identifiers: Orphanet 264675, MedGen C3711368, MONDO:0012580.

Allele frequency attached by ClinVar (database versions not stated): gnomAD 0.00001 and 0.00004; gnomAD exomes 0.00002; TOPMed 0.00003; 1000 Genomes Project 30x 0.00078; 1000 Genomes Project 0.00080.
gnomAD v4.1: 34 of 1,404,462 alleles (0.0024%); highest among the groups gnomAD compares: Admixed American, 0.025%; no homozygotes.

Submissions (6):

Labcorp Genetics (formerly Invitae), Labcorp
Classification: Pathogenic. Last evaluated: 2025-11-08. Review status: criteria provided, single submitter. Criteria: Invitae Variant Classification Sherloc (09022015). Collection method: clinical testing. Allele origin: germline.
Comment: This sequence change falls in intron 25 of the ABCA3 gene. It does not directly change the encoded amino acid sequence of the ABCA3 protein. RNA analysis indicates that this variant induces altered splicing and may result in an absent or altered protein product. This variant is not present in population databases (gnomAD no frequency). This variant has been observed in individuals with autosomal recessive neonatal respiratory distress syndrome (PMID: 22337229, 27670912). ClinVar contains an entry for this variant (Variation ID: 1211382). Studies have shown that this variant results in aberrant splicing and an insertion of 249 bp between exons 25 and 26, and produces a non-functional protein and/or introduces a premature termination codon (PMID: 22337229). For these reasons, this variant has been classified as Pathogenic.

Ambry Genetics
Classification: Pathogenic for Hereditary pulmonary alveolar proteinosis. Last evaluated: 2025-09-16. Review status: criteria provided, single submitter. Criteria: Ambry Variant Classification Scheme 2023. Collection method: clinical testing. Allele origin: germline.
Comment: The c.3863-98C>T intronic alteration results from a C to T substitution 98 nucleotides before coding exon 26 of the ABCA3 gene. This variant was not reported in population-based cohorts in the Genome Aggregation Database (gnomAD). This variant has been identified in the homozygous state and/or in conjunction with other ABCA3 variants in individuals with features consistent with ABCA3-related pulmonary surfactant metabolism dysfunction; in at least one instance, the variants were identified in trans (Ambry internal data; Agrawal, 2012; Pachajoa, 2016). This nucleotide position is not well conserved in available vertebrate species. RNA studies have demonstrated that this alteration results in abnormal splicing (Agrawal, 2012). In silico splice site analysis predicts that this alteration will result in the creation or strengthening of a novel splice donor site. Based on the available evidence, this alteration is classified as pathogenic.

GeneDx
Classification: Pathogenic. Last evaluated: 2025-07-09. Review status: criteria provided, single submitter. Criteria: GeneDx Variant Classification Process June 2021. Collection method: clinical testing. Allele origin: germline. Affected: yes.
Comment: Published functional studies demonstrate a damaging effect on splicing; aberrant transcripts contain sequences from intron 25 (PMID: 22337229); This variant is associated with the following publications: (PMID: 27670912, 23798474, 27516224, 22337229, 24871971, 37175887)

Blueprint Genetics
Classification: Pathogenic for ABCA3-related disorders. Last evaluated: 2023-08-28. Review status: criteria provided, single submitter. Criteria: ACMG Guidelines, 2015. Collection method: clinical testing. Allele origin: germline. Affected: yes. Observed: 5 variant alleles.

PreventionGenetics, part of Exact Sciences
Classification: Pathogenic for ABCA3-related condition. Last evaluated: 2023-01-13. Review status: criteria provided, single submitter. Criteria: ACMG Guidelines, 2015. Collection method: clinical testing. Allele origin: germline.
Comment: The ABCA3 c.3863-98C>T variant is predicted to interfere with splicing. This variant has been reported in the compound heterozygous and homozygous state in multiple individuals with pulmonary surfactant metabolism dysfunction (Agrawal et al 2012. PubMed ID: 22337229; Kröner C et al 2016. PubMed ID: 27516224; Pachajoa H et al 2016. PubMed ID: 27670912; Wambach JA et al. 2014. PubMed ID: 24871971). Functional studies using RT-PCR have shown that this variant creates a new donor splice site and causes aberrant splicing (Agrawal et al 2012. PubMed ID: 22337229). This variant has not been reported in a large population database, indicating this variant is rare. This variant is interpreted as pathogenic.

Mendelics
Classification: Pathogenic for Interstitial lung disease due to ABCA3 deficiency. Last evaluated: 2022-05-04. Review status: criteria provided, single submitter. Criteria: Mendelics Assertion Criteria 2019. Collection method: clinical testing. Allele origin: germline.

Literature cited by the submitters: PubMed 22337229 (cited by Labcorp Genetics (formerly Invitae), Labcorp and Ambry Genetics); PubMed 27670912 (cited by Labcorp Genetics (formerly Invitae), Labcorp and Ambry Genetics).

NM_001089.3(ABCA3):c.3863-98C>T

Gene: ABCA3 (ATP binding cassette subfamily A member 3; minus strand). Cytogenetic location: 16p13.3.
Variant type: single nucleotide variant.
Coding change: c.3863-98C>T on transcript NM_001089.3 (MANE Select); 98 bases into the intron before coding-DNA position 3863, C replaced by T.
Molecular consequence: intron variant.
Genome position (GRCh38, 1-based): chr16:2,283,456, G>A on the plus strand (C>T on the coding strand, the complement: ABCA3 is on the minus strand). VCF-style: chr16-2283456-G-A. GRCh37 (hg19) VCF-style: chr16-2333457-G-A.
Other names: c.3863-98C>T (NM_001089.2).
Identifiers: ClinVar variation 1211382 (VCV001211382.17), dbSNP rs189077405, ClinGen allele CA276821914.